The following is an entry in ClinVar:

ClinVar aggregate classification (germline): Pathogenic (1 of 4 stars; one submission).

Submission:

Labcorp Genetics (formerly Invitae), Labcorp
Classification: Pathogenic. Last evaluated: 2022-08-24. Review status: criteria provided, single submitter. Criteria: Invitae Variant Classification Sherloc (09022015). Collection method: clinical testing. Allele origin: germline.
Comment: This variant has not been reported in the literature in individuals affected with LRRC56-related conditions. This sequence change creates a premature translational stop signal (p.Tyr398*) in the LRRC56 gene. It is expected to result in an absent or disrupted protein product. Loss-of-function variants in LRRC56 are known to be pathogenic (PMID: 30388400). This variant is not present in population databases (gnomAD no frequency). Algorithms developed to predict the effect of sequence changes on RNA splicing suggest that this variant may disrupt the consensus splice site. For these reasons, this variant has been classified as Pathogenic.

Literature cited by the submitters: PubMed 30388400.

NM_198075.4(LRRC56):c.1194T>A (p.Tyr398Ter)

Gene: LRRC56 (leucine rich repeat containing 56; plus strand). Cytogenetic location: 11p15.5.
Variant type: single nucleotide variant.
Coding change: c.1194T>A on transcript NM_198075.4 (MANE Select); coding-DNA position 1194, T replaced by A.
Protein change: p.Tyr398Ter; replaces tyrosine 398 with a stop codon.
Molecular consequence: nonsense.
Genome position (GRCh38, 1-based): chr11:552,581, T>A. VCF-style: chr11-552581-T-A. GRCh37 (hg19) VCF-style: chr11-552581-T-A.
Other names: short protein forms Y398*.
Identifiers: ClinVar variation 2095079 (VCV002095079.4), dbSNP rs2539932445, ClinGen allele CA378950929.
Genomic context (GRCh38, chr11:552,581, plus strand): 5'-CCCGTGGGGGGATCAGGGCTGGAGCTTCTCCTCCTCTCCCCACCCTAGCCCCCTCCCCTA[T>A]AGGCACCCGGAGTCCCAACAGGAAGGGGCTGTAGCCCCCTGGGGCCCACGGAGGGTCCCT-3'